The following is an entry in ClinVar:

ClinVar aggregate classification (germline): Uncertain significance. Review status: criteria provided, multiple submitters, no conflicts (2 of 4 stars). 4 submissions from 4 submitters: Uncertain significance (4). Last evaluated 2025-11-18.

Conditions:
Tuberous sclerosis 2 (TSC2). Identifiers: Orphanet 805, MedGen C1860707, MONDO:0013199, OMIM 613254.
Hereditary cancer-predisposing syndrome. Also called: Hereditary Cancer Syndrome; Tumor predisposition; Neoplastic Syndromes, Hereditary; Hereditary neoplastic syndrome. Identifiers: Orphanet 140162, MedGen C0027672, MeSH D009386, MONDO:0015356.
Tuberous sclerosis syndrome (TSC). Also called: Tuberous sclerosis; Tuberous Sclerosis Complex. Identifiers: Orphanet 805, MedGen C0041341, MONDO:0001734.

Allele frequency attached by ClinVar (database versions not stated): gnomAD exomes below 0.00001; TOPMed below 0.00001.
gnomAD v4.1: 1 of 1,612,834 alleles (0.000062%); highest among the groups gnomAD compares: Non-Finnish European, 0.000085%; no homozygotes.

Submissions (4):

Labcorp Genetics (formerly Invitae), Labcorp
Classification: Uncertain significance for Tuberous sclerosis 2. Last evaluated: 2025-11-18. Review status: criteria provided, single submitter. Criteria: Invitae Variant Classification Sherloc (09022015). Collection method: clinical testing. Allele origin: germline.
Comment: This sequence change replaces proline, which is neutral and non-polar, with leucine, which is neutral and non-polar, at codon 1256 of the TSC2 protein (p.Pro1256Leu). This variant is not present in population databases (gnomAD no frequency). This variant has not been reported in the literature in individuals affected with TSC2-related conditions. ClinVar contains an entry for this variant (Variation ID: 652658). Invitae Evidence Modeling of protein sequence and biophysical properties (such as structural, functional, and spatial information, amino acid conservation, physicochemical variation, residue mobility, and thermodynamic stability) indicates that this missense variant is not expected to disrupt TSC2 protein function with a negative predictive value of 95%. In summary, the available evidence is currently insufficient to determine the role of this variant in disease. Therefore, it has been classified as a Variant of Uncertain Significance.

Color Diagnostics, LLC DBA Color Health
Classification: Uncertain significance for Tuberous sclerosis syndrome. Last evaluated: 2025-10-07. Review status: criteria provided, single submitter. Criteria: ACMG Guidelines, 2015. Collection method: clinical testing. Allele origin: germline.
Comment: This missense variant replaces proline with leucine at codon 1256 of the TSC2 protein. Computational prediction is inconclusive regarding the impact of this variant on protein structure and function. To our knowledge, functional studies have not been reported for this variant. This variant has not been reported in individuals affected with TSC2-related disorders in the literature. This variant has been identified in 1/1460480 chromosomes in the general population by the Genome Aggregation Database (gnomAD). The available evidence is insufficient to determine the role of this variant in disease conclusively. Therefore, this variant is classified as a Variant of Uncertain Significance.

Ambry Genetics
Classification: Uncertain significance for Hereditary cancer-predisposing syndrome. Last evaluated: 2025-05-20. Review status: criteria provided, single submitter. Criteria: Ambry Variant Classification Scheme 2023. Collection method: clinical testing. Allele origin: germline.
Comment: The p.P1256L variant (also known as c.3767C>T), located in coding exon 30 of the TSC2 gene, results from a C to T substitution at nucleotide position 3767. The proline at codon 1256 is replaced by leucine, an amino acid with similar properties. This amino acid position is well conserved in available vertebrate species. In addition, this alteration is predicted to be deleterious by in silico analysis. Based on the available evidence, the clinical significance of this variant remains unclear.

GeneDx
Classification: Uncertain significance. Last evaluated: 2022-02-23. Review status: criteria provided, single submitter. Criteria: GeneDx Variant Classification Process June 2021. Collection method: clinical testing. Allele origin: germline. Affected: yes.
Comment: Not observed at significant frequency in large population cohorts (gnomAD); In silico analysis supports that this missense variant has a deleterious effect on protein structure/function; Has not been previously published as pathogenic or benign to our knowledge

NM_000548.5(TSC2):c.3767C>T (p.Pro1256Leu)

Gene: TSC2 (TSC complex subunit 2; plus strand). Cytogenetic location: 16p13.3.
Variant type: single nucleotide variant.
Coding change: c.3767C>T on transcript NM_000548.5 (MANE Select); coding-DNA position 3767, C replaced by T.
Protein change: p.Pro1256Leu; replaces proline 1256 with leucine.
Molecular consequence: missense variant.
Genome position (GRCh38, 1-based): chr16:2,081,751, C>T. VCF-style: chr16-2081751-C-T. GRCh37 (hg19) VCF-style: chr16-2131752-C-T.
Other names: c.3635C>T, p.Pro1212Leu (NM_001077183.3, NM_001370404.1); c.3767C>T, p.Pro1256Leu (NM_001114382.3); c.3527C>T, p.Pro1176Leu (NM_001318827.2); c.3491C>T, p.Pro1164Leu (NM_001318829.2); c.3035C>T, p.Pro1012Leu (NM_001318831.2); c.3668C>T, p.Pro1223Leu (NM_001318832.2); c.3638C>T, p.Pro1213Leu (NM_001363528.2, NM_001370405.1, NM_021055.3); short protein forms P1012L, P1223L, P1176L, P1212L, P1164L, P1213L, P1256L.
Identifiers: ClinVar variation 652658 (VCV000652658.15), dbSNP rs1596400594, ClinGen allele CA394293268.
Genomic context (GRCh38, chr16:2,081,751, plus strand): 5'-TGGCGGCTGAGCGCTTCAAGGAGCACCGGGACACAGCCCTGTACAAGTCACTGTCGGTGC[C>T]GGCAGCCAGCACGGCCAAACCCCCTCCTCTGCCTCGCTCCAACACAGGTGAGTGGCATGG-3'
Protein context (NP_000539.2, residues 1246-1266): DTALYKSLSV[Pro1256Leu]AASTAKPPPL